The following is an entry in ClinVar:

ClinVar aggregate classification (germline): Pathogenic (1 of 4 stars; one submission).

Conditions:
Polycystic kidney disease, adult type (PKD1). Also called: POLYCYSTIC KIDNEY DISEASE 1 WITH OR WITHOUT POLYCYSTIC LIVER DISEASE; Polycystic Kidney Disease 1, Autosomal Dominant; Polycystic kidney disease 1; Polycystic kidney disease 1, severe; Polycystic Kidney, Autosomal Dominant; POLYCYSTIC KIDNEY DISEASE, ADULT, TYPE I. Identifiers: MedGen C3149841, MONDO:0008263, OMIM 173900.

Submission:

Cavalleri Lab, Royal College of Surgeons in Ireland
Classification: Pathogenic for Polycystic kidney disease, adult type. Last evaluated: 2020-02-05. Review status: criteria provided, single submitter. Criteria: ACMG Guidelines, 2015. Collection method: research. Allele origin: unknown. Inheritance: Autosomal dominant inheritance. Affected: yes.
Comment: PVS1, PM2, PP4

NM_001009944.3(PKD1):c.2032del (p.Ala678fs)

Gene: PKD1 (polycystin 1, transient receptor potential channel interacting; minus strand). Cytogenetic location: 16p13.3.
Variant type: Deletion.
Coding change: c.2032del on transcript NM_001009944.3 (MANE Select); coding-DNA position 2032, one base deleted (G; older notation c.2032delG).
Protein change: p.Ala678fs; shifts the reading frame from alanine 678.
Molecular consequence: frameshift variant.
Genome position (GRCh38, 1-based): chr16:2,115,443, C deleted on the plus strand (G on the coding strand, the reverse complement: PKD1 is on the minus strand); the first of 4 consecutive C bases (chr16:2,115,443-2,115,446); deleting any one gives the same sequence. VCF-style (leftmost placement, unchanged base first): chr16-2115442-GC-G. GRCh37 (hg19) VCF-style: chr16-2165443-GC-G.
Other names: c.2032del, p.Ala678fs (NM_000296.4); c.2032delG (NM_001009944.3); short protein forms A678fs.
Identifiers: ClinVar variation 873350 (VCV000873350.1), dbSNP rs2092615974, ClinGen allele CA493049688.
Genomic context (GRCh38, chr16:2,115,442, plus strand): 5'-TACTGCGCGGGGGGCCCCGCGGGAACGGAGAAGAGGAACTCTCTCCATAGCGCATAGGGG[GC>G]CCCGGGTAGCCCTGGCCCTGACGTGCAGCCATTGGCGCAGGCCTGGGGGTGGCAGGAGGC-3'